The following is an entry in ClinVar:

ClinVar aggregate classification (germline): Uncertain significance. Review status: criteria provided, multiple submitters, no conflicts (2 of 4 stars). 2 submissions from 2 submitters: Uncertain significance (2). Last evaluated 2025-05-19.

Conditions:
Inborn genetic diseases. Identifiers: MedGen C0950123, MeSH D030342.

Allele frequency attached by ClinVar (database versions not stated): gnomAD 0.00001; gnomAD exomes 0.00001; TOPMed 0.00001; ExAC 0.00002.
gnomAD v4.1: 17 of 1,607,072 alleles (0.0011%); highest among the groups gnomAD compares: Middle Eastern, 0.016%; 1 homozygote.

Submissions (2):

Labcorp Genetics (formerly Invitae), Labcorp
Classification: Uncertain significance. Last evaluated: 2025-05-19. Review status: criteria provided, single submitter. Criteria: Invitae Variant Classification Sherloc (09022015). Collection method: clinical testing. Allele origin: germline.
Comment: This sequence change replaces valine, which is neutral and non-polar, with methionine, which is neutral and non-polar, at codon 290 of the SLC10A7 protein (p.Val290Met). This variant is present in population databases (rs760016229, gnomAD 0.02%). This variant has not been reported in the literature in individuals affected with SLC10A7-related conditions. ClinVar contains an entry for this variant (Variation ID: 2186796). An algorithm developed to predict the effect of missense changes on protein structure and function (PolyPhen-2) suggests that this variant is likely to be disruptive. In summary, the available evidence is currently insufficient to determine the role of this variant in disease. Therefore, it has been classified as a Variant of Uncertain Significance.

Ambry Genetics
Classification: Uncertain significance for Inborn genetic diseases. Last evaluated: 2024-03-18. Review status: criteria provided, single submitter. Criteria: Ambry Variant Classification Scheme 2023. Collection method: clinical testing. Allele origin: germline.

NM_001029998.6(SLC10A7):c.868G>A (p.Val290Met)

Gene: SLC10A7 (solute carrier family 10 member 7; minus strand). Cytogenetic location: 4q31.22.
Variant type: single nucleotide variant.
Coding change: c.868G>A on transcript NM_001029998.6 (MANE Select); coding-DNA position 868, G replaced by A.
Protein change: p.Val290Met; replaces valine 290 with methionine.
Molecular consequence: missense variant. On other transcripts: non-coding transcript variant (1).
Genome position (GRCh38, 1-based): chr4:146,258,817, C>T on the plus strand (G>A on the coding strand, the complement: SLC10A7 is on the minus strand). VCF-style: chr4-146258817-C-T. GRCh37 (hg19) VCF-style: chr4-147179969-C-T.
Other names: c.868G>A, p.Val290Met (NM_001300842.3); c.829G>A, p.Val277Met (NM_001317816.2); c.868G>A (NM_001029998.3); short protein forms V290M, V277M.
Identifiers: ClinVar variation 2186796 (VCV002186796.5), dbSNP rs760016229, ClinGen allele CA3096671.